The following is an entry in ClinVar:

NM_000426.4(LAMA2):c.3068G>T (p.Cys1023Phe)

Gene: LAMA2 (laminin subunit alpha 2; plus strand). Cytogenetic location: 6q22.33.
Variant type: single nucleotide variant.
Coding change: c.3068G>T on transcript NM_000426.4 (MANE Select); coding-DNA position 3068, G replaced by T.
Protein change: p.Cys1023Phe; replaces cysteine 1023 with phenylalanine.
Molecular consequence: missense variant.
Genome position (GRCh38, 1-based): chr6:129,300,766, G>T. VCF-style: chr6-129300766-G-T. GRCh37 (hg19) VCF-style: chr6-129621911-G-T.
Other names: c.3068G>T, p.Cys1023Phe (NM_001079823.2); short protein forms C1023F.
Identifiers: ClinVar variation 973041 (VCV000973041.5), dbSNP rs1773498113, ClinGen allele CA365611379.

ClinVar aggregate classification (germline): Uncertain significance (1 of 4 stars; one submission).

Conditions:
LAMA2-related muscular dystrophy (LAMA2-RD). Also called: Laminin alpha 2-related dystrophy. Identifiers: MedGen C5679788, MONDO:0100228.

Allele frequency attached by ClinVar (database versions not stated): gnomAD exomes below 0.00001.
gnomAD v4.1: 1 of 1,613,548 alleles (0.000062%); highest among the groups gnomAD compares: Non-Finnish European, 0.000085%; no homozygotes.

Submission:

Labcorp Genetics (formerly Invitae), Labcorp
Classification: Uncertain significance for LAMA2-related muscular dystrophy. Last evaluated: 2023-12-19. Review status: criteria provided, single submitter. Criteria: Invitae Variant Classification Sherloc (09022015). Collection method: clinical testing. Allele origin: germline.
Comment: This sequence change replaces cysteine, which is neutral and slightly polar, with phenylalanine, which is neutral and non-polar, at codon 1023 of the LAMA2 protein (p.Cys1023Phe). This variant is not present in population databases (gnomAD no frequency). This variant has not been reported in the literature in individuals affected with LAMA2-related conditions. ClinVar contains an entry for this variant (Variation ID: 973041). Advanced modeling of protein sequence and biophysical properties (such as structural, functional, and spatial information, amino acid conservation, physicochemical variation, residue mobility, and thermodynamic stability) has been performed at Invitae for this missense variant, however the output from this modeling did not meet the statistical confidence thresholds required to predict the impact of this variant on LAMA2 protein function. In summary, the available evidence is currently insufficient to determine the role of this variant in disease. Therefore, it has been classified as a Variant of Uncertain Significance.